The following is an entry in ClinVar:

ClinVar aggregate classification (germline): Uncertain significance (1 of 4 stars; one submission).

Conditions:
Hereditary cancer-predisposing syndrome. Also called: Neoplastic Syndromes, Hereditary; Tumor predisposition; Hereditary Cancer Syndrome; Hereditary neoplastic syndrome. Identifiers: Orphanet 140162, MedGen C0027672, MeSH D009386, MONDO:0015356.

Submission:

Ambry Genetics
Classification: Uncertain significance for Hereditary cancer-predisposing syndrome. Last evaluated: 2024-03-27. Review status: criteria provided, single submitter. Criteria: Ambry Variant Classification Scheme 2023. Collection method: clinical testing. Allele origin: germline.
Comment: The p.C2021F variant (also known as c.6062G>T), located in coding exon 40 of the ATM gene, results from a G to T substitution at nucleotide position 6062. The cysteine at codon 2021 is replaced by phenylalanine, an amino acid with highly dissimilar properties. This amino acid position is highly conserved in available vertebrate species. In addition, the in silico prediction for this alteration is inconclusive. Based on the available evidence, the clinical significance of this alteration remains unclear.

NM_000051.4(ATM):c.6062G>T (p.Cys2021Phe)

Genes: ATM (ATM serine/threonine kinase; plus strand), C11orf65 (chromosome 11 open reading frame 65; minus strand). Cytogenetic location: 11q22.3.
Variant type: single nucleotide variant.
Coding change: c.6062G>T on transcript NM_000051.4 (MANE Select); coding-DNA position 6062, G replaced by T.
Protein change: p.Cys2021Phe; replaces cysteine 2021 with phenylalanine.
Molecular consequence: missense variant. On other transcripts: intron variant (2).
Genome position (GRCh38, 1-based): chr11:108,315,878, G>T. VCF-style: chr11-108315878-G-T. GRCh37 (hg19) VCF-style: chr11-108186605-G-T.
Other names: c.6062G>T, p.Cys2021Phe (NM_001351834.2); c.641-6807C>A (NM_001330368.2); c.*39-6807C>A (NM_001351110.2); short protein forms C2021F.
Identifiers: ClinVar variation 3325020 (VCV003325020.1).